The following is an entry in ClinVar:

NM_000321.3(RB1):c.607+3A>G

Gene: RB1 (RB transcriptional corepressor 1; plus strand). Cytogenetic location: 13q14.2.
Variant type: single nucleotide variant.
Coding change: c.607+3A>G on transcript NM_000321.3 (MANE Select); 3 bases into the intron after coding-DNA position 607, A replaced by G.
Molecular consequence: intron variant.
Genome position (GRCh38, 1-based): chr13:48,349,026, A>G. VCF-style: chr13-48349026-A-G. GRCh37 (hg19) VCF-style: chr13-48923162-A-G.
Other names: c.607+3A>G (NM_001407165.1, NM_001407166.1).
Identifiers: ClinVar variation 4544254 (VCV004544254.1).

ClinVar aggregate classification (germline): Uncertain significance (1 of 4 stars; one submission).

Conditions:
Hereditary cancer-predisposing syndrome. Also called: Tumor predisposition; Hereditary Cancer Syndrome; Hereditary neoplastic syndrome; Neoplastic Syndromes, Hereditary. Identifiers: Orphanet 140162, MedGen C0027672, MeSH D009386, MONDO:0015356.

Submission:

Ambry Genetics
Classification: Uncertain significance for Hereditary cancer-predisposing syndrome. Last evaluated: 2025-11-26. Review status: criteria provided, single submitter. Criteria: Ambry Variant Classification Scheme 2023. Collection method: clinical testing. Allele origin: germline.
Comment: The c.607+3A>G intronic variant results from an A to G substitution 3 nucleotides after coding exon 6 in the RB1 gene. This nucleotide position is highly conserved in available vertebrate species. In silico splice site analysis predicts that this alteration will not have any significant effect on splicing. Based on the available evidence, the clinical significance of this variant remains unclear.